The following is an entry in ClinVar:

NM_016604.4(KDM3B):c.2330T>A (p.Leu777Gln)

Gene: KDM3B (lysine demethylase 3B; plus strand). Cytogenetic location: 5q31.2.
Variant type: single nucleotide variant.
Coding change: c.2330T>A on transcript NM_016604.4 (MANE Select); coding-DNA position 2330, T replaced by A.
Protein change: p.Leu777Gln; replaces leucine 777 with glutamine.
Molecular consequence: missense variant.
Genome position (GRCh38, 1-based): chr5:138,391,962, T>A. VCF-style: chr5-138391962-T-A. GRCh37 (hg19) VCF-style: chr5-137727651-T-A.
Other names: short protein forms L777Q.
Identifiers: ClinVar variation 4718896 (VCV004718896.1).
Genomic context (GRCh38, chr5:138,391,962, plus strand): 5'-AGGACAATCCCCTCCTCAAAACCTTTAGTAACGTCTTTGGCAGGCACTCAGGCGGCTTTC[T>A]GTCCTCCCCGGCAGATTTTTCACAGGAGAACAAAGCTCCTTTTGAAGCTGTGAAAAGGTT-3'
Protein context (NP_057688.3, residues 767-787): NVFGRHSGGF[Leu777Gln]SSPADFSQEN

ClinVar aggregate classification (germline): Uncertain significance (1 of 4 stars; one submission).

Submission:

Labcorp Genetics (formerly Invitae), Labcorp
Classification: Uncertain significance. Last evaluated: 2025-05-04. Review status: criteria provided, single submitter. Criteria: Invitae Variant Classification Sherloc (09022015). Collection method: clinical testing. Allele origin: germline.
Comment: This sequence change replaces leucine, which is neutral and non-polar, with glutamine, which is neutral and polar, at codon 777 of the KDM3B protein (p.Leu777Gln). This variant is not present in population databases (gnomAD no frequency). This variant has not been reported in the literature in individuals affected with KDM3B-related conditions. An algorithm developed to predict the effect of missense changes on protein structure and function (PolyPhen-2) suggests that this variant is likely to be tolerated. In summary, the available evidence is currently insufficient to determine the role of this variant in disease. Therefore, it has been classified as a Variant of Uncertain Significance.